The following is an entry in ClinVar:

ClinVar aggregate classification (germline): Pathogenic/Likely pathogenic. Review status: criteria provided, multiple submitters, no conflicts (2 of 4 stars). 3 submissions from 3 submitters: Pathogenic (1); Likely pathogenic (2). Last evaluated 2024-05-16.

Conditions:
Nephronophthisis 16 (NPHP16). Identifiers: Orphanet 655, MedGen C3809320, MONDO:0014158, OMIM 615382.

Allele frequency attached by ClinVar (database versions not stated): ExAC 0.00001; gnomAD 0.00001 and 0.00024; gnomAD exomes 0.00001; ESP Exome Variant Server 0.00016; TOPMed 0.00031.
gnomAD v4.1: 52 of 1,613,764 alleles (0.0032%); highest among the groups gnomAD compares: Non-Finnish European, 0.0015%; no homozygotes.

Submissions (3):

Fulgent Genetics
Classification: Likely pathogenic for Nephronophthisis 16. Last evaluated: 2024-05-16. Review status: criteria provided, single submitter. Criteria: ACMG Guidelines, 2015. Collection method: clinical testing. Allele origin: germline.

Labcorp Genetics (formerly Invitae), Labcorp
Classification: Pathogenic for Nephronophthisis 16. Last evaluated: 2017-09-07. Review status: criteria provided, single submitter. Criteria: Invitae Variant Classification Sherloc (09022015). Collection method: clinical testing. Allele origin: germline.
Comment: This sequence change creates a premature translational stop signal (p.Arg461*) in the ANKS6 gene. It is expected to result in an absent or disrupted protein product. This variant is present in population databases (rs369437168, ExAC 0.002%). This variant has not been reported in the literature in individuals with ANKS6-related disease. Loss-of-function variants in ANKS6 are known to be pathogenic (PMID: 23793029, 25599650). For these reasons, this variant has been classified as Pathogenic.

Juno Genomics, Hangzhou Juno Genomics, Inc
Classification: Likely pathogenic for Nephronophthisis 16. Review status: criteria provided, single submitter. Criteria: ACMG Guidelines, 2015. Collection method: clinical testing. Allele origin: germline.
Comment: Null variant in a gene where loss of function (LOF) is a known mechanism of disease.;Absent from controls (or at extremely low frequency if recessive) in Genome Aggregation Database.

Literature cited by the submitters: PubMed 23793029 (cited by Labcorp Genetics (formerly Invitae), Labcorp); PubMed 25599650 (cited by Labcorp Genetics (formerly Invitae), Labcorp).

NM_173551.5(ANKS6):c.1381C>T (p.Arg461Ter)

Gene: ANKS6 (ankyrin repeat and sterile alpha motif domain containing 6; minus strand). Cytogenetic location: 9q22.33.
Variant type: single nucleotide variant.
Coding change: c.1381C>T on transcript NM_173551.5 (MANE Select); coding-DNA position 1381, C replaced by T.
Protein change: p.Arg461Ter; replaces arginine 461 with a stop codon.
Molecular consequence: nonsense.
Genome position (GRCh38, 1-based): chr9:98,778,412, G>A on the plus strand (C>T on the coding strand, the complement: ANKS6 is on the minus strand). VCF-style: chr9-98778412-G-A. GRCh37 (hg19) VCF-style: chr9-101540694-G-A.
Other names: short protein forms R461*.
Identifiers: ClinVar variation 579608 (VCV000579608.9), dbSNP rs369437168, ClinGen allele CA5153517.